The following is an entry in ClinVar:

ClinVar aggregate classification (germline): Uncertain significance. Review status: criteria provided, multiple submitters, no conflicts (2 of 4 stars). 2 submissions from 2 submitters: Uncertain significance (2). Last evaluated 2023-05-12.

Conditions:
Glaucoma 3, primary congenital, D. Identifiers: Orphanet 98976, MedGen C2751316, MONDO:0013122, OMIM 613086.

Allele frequency attached by ClinVar (database versions not stated): gnomAD exomes below 0.00001 and 0.00001; TOPMed below 0.00001; ExAC 0.00001.
gnomAD v4.1: 4 of 1,613,618 alleles (0.00025%); highest among the groups gnomAD compares: Middle Eastern, 0.016%; no homozygotes.

Submissions (2):

Labcorp Genetics (formerly Invitae), Labcorp
Classification: Uncertain significance. Last evaluated: 2023-05-12. Review status: criteria provided, single submitter. Criteria: Invitae Variant Classification Sherloc (09022015). Collection method: clinical testing. Allele origin: germline.
Comment: ClinVar contains an entry for this variant (Variation ID: 1028258). This variant has not been reported in the literature in individuals affected with LTBP2-related conditions. This variant is present in population databases (rs748396734, gnomAD 0.002%). This sequence change replaces glutamic acid, which is acidic and polar, with lysine, which is basic and polar, at codon 1134 of the LTBP2 protein (p.Glu1134Lys). An algorithm developed to predict the effect of missense changes on protein structure and function (PolyPhen-2) suggests that this variant¬† is likely to be tolerated. In summary, the available evidence is currently insufficient to determine the role of this variant in disease. Therefore, it has been classified as a Variant of Uncertain Significance.

Baylor Genetics
Classification: Uncertain significance for Glaucoma 3, primary congenital, D. Last evaluated: 2020-01-02. Review status: criteria provided, single submitter. Criteria: ACMG Guidelines, 2015. Collection method: clinical testing. Allele origin: unknown. Affected: yes.
Comment: This variant was determined to be of uncertain significance according to ACMG Guidelines, 2015 [PMID:25741868].

NM_000428.3(LTBP2):c.3400G>A (p.Glu1134Lys)

Gene: LTBP2 (latent transforming growth factor beta binding protein 2; minus strand). Cytogenetic location: 14q24.3.
Variant type: single nucleotide variant.
Coding change: c.3400G>A on transcript NM_000428.3 (MANE Select); coding-DNA position 3400, G replaced by A.
Protein change: p.Glu1134Lys; replaces glutamic acid 1134 with lysine.
Molecular consequence: missense variant.
Genome position (GRCh38, 1-based): chr14:74,509,241, C>T on the plus strand (G>A on the coding strand, the complement: LTBP2 is on the minus strand). VCF-style: chr14-74509241-C-T. GRCh37 (hg19) VCF-style: chr14-74975944-C-T.
Other names: short protein forms E1134K.
Identifiers: ClinVar variation 1028258 (VCV001028258.2), dbSNP rs748396734, ClinGen allele CA7269192.